The following is an entry in ClinVar:

NM_005876.5(SPEG):c.626C>T (p.Pro209Leu)

Gene: SPEG (striated muscle enriched protein kinase; plus strand). Cytogenetic location: 2q35.
Variant type: single nucleotide variant.
Coding change: c.626C>T on transcript NM_005876.5 (MANE Select); coding-DNA position 626, C replaced by T.
Protein change: p.Pro209Leu; replaces proline 209 with leucine.
Molecular consequence: missense variant.
Genome position (GRCh38, 1-based): chr2:219,444,972, C>T. VCF-style: chr2-219444972-C-T. GRCh37 (hg19) VCF-style: chr2-220309694-C-T.
Other names: short protein forms P209L.
Identifiers: ClinVar variation 2985600 (VCV002985600.1), dbSNP rs773788051, ClinGen allele CA2125537.

ClinVar aggregate classification (germline): Uncertain significance (1 of 4 stars; one submission).

Allele frequency attached by ClinVar (database versions not stated): gnomAD 0.00001; ExAC 0.00003.
gnomAD v4.1: 38 of 1,606,696 alleles (0.0024%); highest among the groups gnomAD compares: South Asian, 0.0066%; no homozygotes.

Submission:

Labcorp Genetics (formerly Invitae), Labcorp
Classification: Uncertain significance. Last evaluated: 2023-11-22. Review status: criteria provided, single submitter. Criteria: Invitae Variant Classification Sherloc (09022015). Collection method: clinical testing. Allele origin: germline.
Comment: This sequence change replaces proline, which is neutral and non-polar, with leucine, which is neutral and non-polar, at codon 209 of the SPEG protein (p.Pro209Leu). This variant is present in population databases (rs773788051, gnomAD 0.007%). This variant has not been reported in the literature in individuals affected with SPEG-related conditions. Algorithms developed to predict the effect of missense changes on protein structure and function output the following: SIFT: "Not Available"; PolyPhen-2: "Benign"; Align-GVGD: "Not Available". The leucine amino acid residue is found in multiple mammalian species, which suggests that this missense change does not adversely affect protein function. In summary, the available evidence is currently insufficient to determine the role of this variant in disease. Therefore, it has been classified as a Variant of Uncertain Significance.